The following is an entry in ClinVar:

ClinVar aggregate classification (germline): Uncertain significance. Review status: criteria provided, multiple submitters, no conflicts (2 of 4 stars). 2 submissions from 2 submitters: Uncertain significance (2). Last evaluated 2024-10-16.

Conditions:
Hereditary cancer-predisposing syndrome. Also called: Neoplastic Syndromes, Hereditary; Tumor predisposition; Hereditary Cancer Syndrome; Hereditary neoplastic syndrome. Identifiers: Orphanet 140162, MedGen C0027672, MeSH D009386, MONDO:0015356.

Allele frequency attached by ClinVar (database versions not stated): TOPMed below 0.00001.
gnomAD v4.1: 1 of 1,609,308 alleles (0.000062%); highest among the groups gnomAD compares: Non-Finnish European, 0.000085%; no homozygotes.

Submissions (2):

Labcorp Genetics (formerly Invitae), Labcorp
Classification: Uncertain significance for Hereditary cancer-predisposing syndrome. Last evaluated: 2024-10-16. Review status: criteria provided, single submitter. Criteria: Invitae Variant Classification Sherloc (09022015). Collection method: clinical testing. Allele origin: germline.
Comment: This sequence change replaces serine, which is neutral and polar, with arginine, which is basic and polar, at codon 560 of the RAD50 protein (p.Ser560Arg). This variant is not present in population databases (gnomAD no frequency). This missense change has been observed in individual(s) with breast cancer (PMID: 25503501). ClinVar contains an entry for this variant (Variation ID: 457383). Invitae Evidence Modeling of protein sequence and biophysical properties (such as structural, functional, and spatial information, amino acid conservation, physicochemical variation, residue mobility, and thermodynamic stability) indicates that this missense variant is not expected to disrupt RAD50 protein function with a negative predictive value of 80%. In summary, the available evidence is currently insufficient to determine the role of this variant in disease. Therefore, it has been classified as a Variant of Uncertain Significance.

Ambry Genetics
Classification: Uncertain significance for Hereditary cancer-predisposing syndrome. Last evaluated: 2022-12-12. Review status: criteria provided, single submitter. Criteria: Ambry Variant Classification Scheme 2023. Collection method: clinical testing. Allele origin: germline.
Comment: The p.S560R variant (also known as c.1680T>A), located in coding exon 11 of the RAD50 gene, results from a T to A substitution at nucleotide position 1680. The serine at codon 560 is replaced by arginine, an amino acid with dissimilar properties. This variant was not reported in population based cohorts in the following databases: Database of Single Nucleotide Polymorphisms (dbSNP), NHLBI Exome Sequencing Project (ESP), and 1000 Genomes Project. In the ESP, this variant was not observed in 6501 samples (13002 alleles) with coverage at this position. To date, this alteration has been detected with an allele frequency of approximately 0.001% (greater than 175000 alleles tested) in our clinical cohort. This amino acid position is poorly conserved in available vertebrate species. In addition, this alteration is predicted to be tolerated by in silico analysis. Since supporting evidence is limited at this time, the clinical significance of this alteration remains unclear.

Literature cited by the submitters: PubMed 25503501 (cited by Labcorp Genetics (formerly Invitae), Labcorp and Ambry Genetics).

NM_005732.4(RAD50):c.1680T>A (p.Ser560Arg)

Gene: RAD50 (RAD50 double strand break repair protein; plus strand). Cytogenetic location: 5q31.1.
Variant type: single nucleotide variant.
Coding change: c.1680T>A on transcript NM_005732.4 (MANE Select); coding-DNA position 1680, T replaced by A.
Protein change: p.Ser560Arg; replaces serine 560 with arginine.
Molecular consequence: missense variant.
Genome position (GRCh38, 1-based): chr5:132,591,921, T>A. VCF-style: chr5-132591921-T-A. GRCh37 (hg19) VCF-style: chr5-131927613-T-A.
Other names: short protein forms S560R.
Identifiers: ClinVar variation 457383 (VCV000457383.13), dbSNP rs786203901, ClinGen allele CA360946417.
Genomic context (GRCh38, chr5:132,591,921, plus strand): 5'-TTTTTTTTACCTATAGGCTGACAAAGATGAACAAATCAGAAAAATAAAATCTAGGCACAG[T>A]GATGAATTAACCTCACTGTTGGGATATTTTCCCAACAAAAAACAGCTTGAAGACTGGCTA-3'
Protein context (NP_005723.2, residues 550-570): EQIRKIKSRH[Ser560Arg]DELTSLLGYF